The following is an entry in ClinVar:

NM_000081.4(LYST):c.3728C>A (p.Ser1243Tyr)

Gene: LYST (lysosomal trafficking regulator; minus strand). Cytogenetic location: 1q42.3.
Variant type: single nucleotide variant.
Coding change: c.3728C>A on transcript NM_000081.4 (MANE Select); coding-DNA position 3728, C replaced by A.
Protein change: p.Ser1243Tyr; replaces serine 1243 with tyrosine.
Molecular consequence: missense variant.
Genome position (GRCh38, 1-based): chr1:235,801,082, G>T on the plus strand (C>A on the coding strand, the complement: LYST is on the minus strand). VCF-style: chr1-235801082-G-T. GRCh37 (hg19) VCF-style: chr1-235964382-G-T.
Other names: c.3728C>A, p.Ser1243Tyr (NM_001301365.1); short protein forms S1243Y.
Identifiers: ClinVar variation 2128717 (VCV002128717.4), dbSNP rs1260790455, ClinGen allele CA344944699.

ClinVar aggregate classification (germline): Uncertain significance (1 of 4 stars; one submission).

Conditions:
Chédiak-Higashi syndrome (CHS). Also called: Chediak-Higashi Syndrome. Identifiers: Orphanet 167, MedGen C0007965, MONDO:0008963, OMIM 214500.

Allele frequency attached by ClinVar (database versions not stated): gnomAD exomes below 0.00001; TOPMed 0.00002.
gnomAD v4.1: 1 of 1,607,026 alleles (0.000062%); highest among the groups gnomAD compares: Admixed American, 0.0017%; no homozygotes.

Submission:

Labcorp Genetics (formerly Invitae), Labcorp
Classification: Uncertain significance for Chédiak-Higashi syndrome. Last evaluated: 2022-06-23. Review status: criteria provided, single submitter. Criteria: Invitae Variant Classification Sherloc (09022015). Collection method: clinical testing. Allele origin: germline.
Comment: This variant is present in population databases (no rsID available, gnomAD 0.003%). This sequence change replaces serine, which is neutral and polar, with tyrosine, which is neutral and polar, at codon 1243 of the LYST protein (p.Ser1243Tyr). This variant has not been reported in the literature in individuals affected with LYST-related conditions. In summary, the available evidence is currently insufficient to determine the role of this variant in disease. Therefore, it has been classified as a Variant of Uncertain Significance. Algorithms developed to predict the effect of missense changes on protein structure and function are either unavailable or do not agree on the potential impact of this missense change (SIFT: "Deleterious"; PolyPhen-2: "Benign"; Align-GVGD: "Class C0").